The following is an entry in ClinVar:

NM_001164508.2(NEB):c.7536+1G>A

Gene: NEB (nebulin; minus strand). Cytogenetic location: 2q23.3.
Variant type: single nucleotide variant.
Coding change: c.7536+1G>A on transcript NM_001164508.2 (MANE Select); the canonical splice donor site of the intron after coding-DNA position 7536, G replaced by A.
Molecular consequence: splice donor variant.
Genome position (GRCh38, 1-based): chr2:151,646,129, C>T on the plus strand (G>A on the coding strand, the complement: NEB is on the minus strand). VCF-style: chr2-151646129-C-T. GRCh37 (hg19) VCF-style: chr2-152502643-C-T.
Other names: c.7536+1G>A (NM_004543.5, NM_001164507.2, NM_001271208.2).
Identifiers: ClinVar variation 2786519 (VCV002786519.3), dbSNP rs2552248313, ClinGen allele CA348784602.
Genomic context (GRCh38, chr2:151,646,129, plus strand): 5'-ACTGATTTAGAAACAATTAAAATGAGCTTTCTGAAAACACATGCTGAATTTGAAAACTTA[C>T]ATCACTTGTGTTGATTAAGTTTGCTTTAGCCAGAACAATGTCAGGTGTATCAGGCATGAT-3'

ClinVar aggregate classification (germline): Likely pathogenic (1 of 4 stars; one submission).

Conditions:
Nemaline myopathy 2 (NEM2). Also called: Nemaline myopathy 2, autosomal recessive. Identifiers: MedGen C1850569, MONDO:0009725, OMIM 256030.

Allele frequency attached by ClinVar (database versions not stated): gnomAD exomes below 0.00001.
gnomAD v4.1: 3 of 1,571,074 alleles (0.00019%); highest among the groups gnomAD compares: Non-Finnish European, 0.00026%; no homozygotes.

Submission:

Labcorp Genetics (formerly Invitae), Labcorp
Classification: Likely pathogenic for Nemaline myopathy 2. Last evaluated: 2023-08-11. Review status: criteria provided, single submitter. Criteria: Invitae Variant Classification Sherloc (09022015). Collection method: clinical testing. Allele origin: germline.
Comment: In summary, the currently available evidence indicates that the variant is pathogenic, but additional data are needed to prove that conclusively. Therefore, this variant has been classified as Likely Pathogenic. This sequence change affects a donor splice site in intron 55 of the NEB gene. It is expected to disrupt RNA splicing. Variants that disrupt the donor or acceptor splice site typically lead to a loss of protein function (PMID: 16199547), and loss-of-function variants in NEB are known to be pathogenic (PMID: 25205138). This variant is not present in population databases (gnomAD no frequency). This variant has not been reported in the literature in individuals affected with NEB-related conditions. Algorithms developed to predict the effect of sequence changes on RNA splicing suggest that this variant may disrupt the consensus splice site.

Literature cited by the submitters: PubMed 16199547; PubMed 25205138.